The following is an entry in ClinVar:

NM_000037.4(ANK1):c.344T>C (p.Leu115Pro)

Gene: ANK1 (ankyrin 1; minus strand). Cytogenetic location: 8p11.21.
Variant type: single nucleotide variant.
Coding change: c.344T>C on transcript NM_000037.4 (MANE Select); coding-DNA position 344, T replaced by C.
Protein change: p.Leu115Pro; replaces leucine 115 with proline.
Molecular consequence: missense variant.
Genome position (GRCh38, 1-based): chr8:41,727,332, A>G on the plus strand (T>C on the coding strand, the complement: ANK1 is on the minus strand). VCF-style: chr8-41727332-A-G. GRCh37 (hg19) VCF-style: chr8-41584850-A-G.
Other names: c.443T>C, p.Leu148Pro (NM_001142446.2); c.344T>C, p.Leu115Pro (NM_020475.3, NM_020476.3, NM_020477.3); short protein forms L115P, L148P.
Identifiers: ClinVar variation 811190 (VCV000811190.9), dbSNP rs1586505238, ClinGen allele CA371045416.

ClinVar aggregate classification (germline): Uncertain significance. Review status: criteria provided, multiple submitters, no conflicts (2 of 4 stars). 2 submissions from 2 submitters: Uncertain significance (2). Last evaluated 2025-04-11.

Conditions:
Hereditary spherocytosis type 1. Also called: ANK1-Related Spherocytosis; Spherocytosis type 1. Identifiers: Orphanet 822, MedGen C2674218, MONDO:0008447, OMIM 182900.

Submissions (2):

Laboratorio de Genetica e Diagnostico Molecular, Hospital Israelita Albert Einstein
Classification: Uncertain significance for Hereditary spherocytosis type 1. Last evaluated: 2025-04-11. Review status: criteria provided, single submitter. Criteria: ACMG Guidelines, 2015. Collection method: clinical testing. Allele origin: germline. Affected: yes.
Comment: ACMG classification criteria: PM2 supporting, PP2 supporting, PP3 supporting

ARUP Laboratories, Molecular Genetics and Genomics, ARUP Laboratories
Classification: Uncertain significance for Hereditary spherocytosis type 1. Last evaluated: 2018-11-03. Review status: criteria provided, single submitter. Criteria: ARUP Molecular Germline Variant Investigation Process. Collection method: clinical testing. Allele origin: germline.
Comment: The ANK1 c.344T>C; p.Leu115Pro variant, is reported in the literature in one individual affected with hereditary spherocytosis (1). However, its association with ankyrin deficiency in this study is unclear. This variant is also absent from general population databases (1000 Genomes Project, Exome Variant Server, and Genome Aggregation Database), indicating it is not a common polymorphism. The leucine at codon 115 is highly conserved and computational analyses (SIFT, PolyPhen-2) predict that this variant is deleterious. However, due to limited information, the clinical significance of this variant is uncertain at this time.